The following is an entry in ClinVar:

ClinVar aggregate classification (germline): Uncertain significance. Review status: criteria provided, multiple submitters, no conflicts (2 of 4 stars). 3 submissions from 3 submitters: Uncertain significance (3). Last evaluated 2024-03-18.

Conditions:
Cataract 6 multiple types. Also called: CATARACT 6, POSTERIOR POLAR; CATARACT 6, CONGENITAL TOTAL; CATARACT, AGE-RELATED CORTICAL, 2. Identifiers: Orphanet 91492, MedGen C1861825, MONDO:0007288, OMIM 116600.
Inborn genetic diseases. Identifiers: MedGen C0950123, MeSH D030342.

Allele frequency attached by ClinVar (database versions not stated): gnomAD exomes below 0.00001; ExAC 0.00001; gnomAD 0.00003.
gnomAD v4.1: 62 of 1,613,196 alleles (0.0038%); highest among the groups gnomAD compares: Non-Finnish European, 0.0053%; no homozygotes.

Submissions (3):

Ambry Genetics
Classification: Uncertain significance for Inborn genetic diseases. Last evaluated: 2024-03-18. Review status: criteria provided, single submitter. Criteria: Ambry Variant Classification Scheme 2023. Collection method: clinical testing. Allele origin: germline.

Labcorp Genetics (formerly Invitae), Labcorp
Classification: Uncertain significance for Cataract 6 multiple types. Last evaluated: 2024-02-05. Review status: criteria provided, single submitter. Criteria: Invitae Variant Classification Sherloc (09022015). Collection method: clinical testing. Allele origin: germline.
Comment: This sequence change replaces serine, which is neutral and polar, with phenylalanine, which is neutral and non-polar, at codon 373 of the EPHA2 protein (p.Ser373Phe). This variant is present in population databases (rs758978165, gnomAD 0.002%). This variant has not been reported in the literature in individuals affected with EPHA2-related conditions. ClinVar contains an entry for this variant (Variation ID: 468222). Advanced modeling of protein sequence and biophysical properties (such as structural, functional, and spatial information, amino acid conservation, physicochemical variation, residue mobility, and thermodynamic stability) performed at Invitae indicates that this missense variant is not expected to disrupt EPHA2 protein function with a negative predictive value of 80%. In summary, the available evidence is currently insufficient to determine the role of this variant in disease. Therefore, it has been classified as a Variant of Uncertain Significance.

Illumina Laboratory Services, Illumina
Classification: Uncertain significance for Cataract 6 multiple types. Last evaluated: 2018-01-13. Review status: criteria provided, single submitter. Criteria: ICSL Variant Classification Criteria 13 December 2019. Collection method: clinical testing. Allele origin: germline.

NM_004431.5(EPHA2):c.1118C>T (p.Ser373Phe)

Gene: EPHA2 (EPH receptor A2; minus strand). Cytogenetic location: 1p36.13.
Variant type: single nucleotide variant.
Coding change: c.1118C>T on transcript NM_004431.5 (MANE Select); coding-DNA position 1118, C replaced by T.
Protein change: p.Ser373Phe; replaces serine 373 with phenylalanine.
Molecular consequence: missense variant.
Genome position (GRCh38, 1-based): chr1:16,138,047, G>A on the plus strand (C>T on the coding strand, the complement: EPHA2 is on the minus strand). VCF-style: chr1-16138047-G-A. GRCh37 (hg19) VCF-style: chr1-16464542-G-A.
Other names: c.956C>T, p.Ser319Phe (NM_001329090.2); short protein forms S373F, S319F.
Identifiers: ClinVar variation 468222 (VCV000468222.10), dbSNP rs758978165, ClinGen allele CA625309.